The following is an entry in ClinVar:

ClinVar aggregate classification (germline): Uncertain significance. Review status: criteria provided, multiple submitters, no conflicts (2 of 4 stars). 2 submissions from 2 submitters: Uncertain significance (2). Last evaluated 2024-10-18.

Conditions:
Cardiovascular phenotype. Identifiers: MedGen CN230736.
Distal myopathy with posterior leg and anterior hand involvement. Also called: WILLIAMS DISTAL MYOPATHY. Identifiers: Orphanet 63273, MedGen C3279722, MONDO:0013550, OMIM 614065.
Myofibrillar myopathy 5. Also called: FILAMINOPATHY, AUTOSOMAL DOMINANT; Filaminopathy (type). Identifiers: Orphanet 171445, MedGen C1836050, MONDO:0012289, OMIM 609524.
Hypertrophic cardiomyopathy 26. Also called: Cardiomyopathy, familial hypertrophic, 26. Identifiers: Orphanet 75249, MedGen C4310749, MONDO:0014883, OMIM 617047.

Allele frequency attached by ClinVar (database versions not stated): gnomAD exomes below 0.00001 and 0.00001.
gnomAD v4.1: 5 of 1,550,756 alleles (0.00032%); highest among the groups gnomAD compares: South Asian, 0.0024%; no homozygotes.

Submissions (2):

Labcorp Genetics (formerly Invitae), Labcorp
Classification: Uncertain significance for Distal myopathy with posterior leg and anterior hand involvement; Myofibrillar myopathy 5; Hypertrophic cardiomyopathy 26. Last evaluated: 2024-10-18. Review status: criteria provided, single submitter. Criteria: Invitae Variant Classification Sherloc (09022015). Collection method: clinical testing. Allele origin: germline.
Comment: This sequence change replaces glycine, which is neutral and non-polar, with arginine, which is basic and polar, at codon 773 of the FLNC protein (p.Gly773Arg). The frequency data for this variant in the population databases is considered unreliable, as metrics indicate poor data quality at this position in the gnomAD database. This variant has not been reported in the literature in individuals affected with FLNC-related conditions. ClinVar contains an entry for this variant (Variation ID: 642078). Invitae Evidence Modeling of protein sequence and biophysical properties (such as structural, functional, and spatial information, amino acid conservation, physicochemical variation, residue mobility, and thermodynamic stability) has been performed for this missense variant. However, the output from this modeling did not meet the statistical confidence thresholds required to predict the impact of this variant on FLNC protein function. In summary, the available evidence is currently insufficient to determine the role of this variant in disease. Therefore, it has been classified as a Variant of Uncertain Significance.

Ambry Genetics
Classification: Uncertain significance for Cardiovascular phenotype. Last evaluated: 2024-05-10. Review status: criteria provided, single submitter. Criteria: Ambry Variant Classification Scheme 2023. Collection method: clinical testing. Allele origin: germline.
Comment: The p.G773R variant (also known as c.2317G>A), located in coding exon 15 of the FLNC gene, results from a G to A substitution at nucleotide position 2317. The glycine at codon 773 is replaced by arginine, an amino acid with dissimilar properties. This amino acid position is highly conserved in available vertebrate species. In addition, this alteration is predicted to be deleterious by in silico analysis. Since supporting evidence is limited at this time, the clinical significance of this alteration remains unclear.

NM_001458.5(FLNC):c.2317G>A (p.Gly773Arg)

Gene: FLNC (filamin C; plus strand). Cytogenetic location: 7q32.1.
Variant type: single nucleotide variant.
Coding change: c.2317G>A on transcript NM_001458.5 (MANE Select); coding-DNA position 2317, G replaced by A.
Protein change: p.Gly773Arg; replaces glycine 773 with arginine.
Molecular consequence: missense variant.
Genome position (GRCh38, 1-based): chr7:128,842,626, G>A. VCF-style: chr7-128842626-G-A. GRCh37 (hg19) VCF-style: chr7-128482680-G-A.
Other names: c.2317G>A, p.Gly773Arg (NM_001127487.2); short protein forms G773R.
Identifiers: ClinVar variation 642078 (VCV000642078.12), dbSNP rs1322212555, ClinGen allele CA369191193.